The following is an entry in ClinVar:

ClinVar aggregate classification (germline): Uncertain significance (1 of 4 stars; one submission).

gnomAD v4.1: 3 of 1,607,946 alleles (0.00019%); highest among the groups gnomAD compares: Middle Eastern, 0.017%; no homozygotes.

Submission:

Labcorp Genetics (formerly Invitae), Labcorp
Classification: Uncertain significance. Last evaluated: 2025-04-28. Review status: criteria provided, single submitter. Criteria: Invitae Variant Classification Sherloc (09022015). Collection method: clinical testing. Allele origin: germline.
Comment: This sequence change replaces proline, which is neutral and non-polar, with leucine, which is neutral and non-polar, at codon 143 of the C10orf11 protein (p.Pro143Leu). This variant is present in population databases (no rsID available, gnomAD 0.003%). This variant has not been reported in the literature in individuals affected with C10orf11-related conditions. ClinVar contains an entry for this variant (Variation ID: 1938355). An algorithm developed to predict the effect of missense changes on protein structure and function (PolyPhen-2) suggests that this variant is likely to be disruptive. In summary, the available evidence is currently insufficient to determine the role of this variant in disease. Therefore, it has been classified as a Variant of Uncertain Significance.

NM_001305581.2(LRMDA):c.512C>T (p.Pro171Leu)

Gene: LRMDA (leucine rich melanocyte differentiation associated; plus strand). Cytogenetic location: 10q22.3.
Variant type: single nucleotide variant.
Coding change: c.512C>T on transcript NM_001305581.2 (MANE Select); coding-DNA position 512, C replaced by T.
Protein change: p.Pro171Leu; replaces proline 171 with leucine.
Molecular consequence: missense variant. On other transcripts: non-coding transcript variant (1).
Genome position (GRCh38, 1-based): chr10:76,058,779, C>T. VCF-style: chr10-76058779-C-T. GRCh37 (hg19) VCF-style: chr10-77818537-C-T.
Other names: c.428C>T, p.Pro143Leu (NM_032024.5); short protein forms P171L, P143L.
Identifiers: ClinVar variation 1938355 (VCV001938355.5), dbSNP rs1185480048, ClinGen allele CA377401433.
Genomic context (GRCh38, chr10:76,058,779, plus strand): 5'-TAACCAGACAAGAACGAGAGGAGGCGTTGGTCAGAGGAGTCTTCATGAAGGTGGTGAAGC[C>T]CAAGGTGAGCTGCCTACTTGCTGTTCTTCACAAGGGATTTACATCTCATGGCAGTGCTTA-3'
Protein context (NP_001292510.1, residues 161-181): VRGVFMKVVK[Pro171Leu]KASSEDVASS